The following is an entry in ClinVar:

NM_022124.6(CDH23):c.9820G>A (p.Val3274Met)

Gene: CDH23 (cadherin related 23; plus strand). Cytogenetic location: 10q22.1.
Variant type: single nucleotide variant.
Coding change: c.9820G>A on transcript NM_022124.6 (MANE Select); coding-DNA position 9820, G replaced by A.
Protein change: p.Val3274Met; replaces valine 3274 with methionine.
Molecular consequence: missense variant.
Genome position (GRCh38, 1-based): chr10:71,815,033, G>A. VCF-style: chr10-71815033-G-A. GRCh37 (hg19) VCF-style: chr10-73574790-G-A.
Other names: c.3100G>A, p.Val1034Met (NM_001171933.1); c.2995G>A, p.Val999Met (NM_001171934.1); c.511G>A, p.Val171Met (NM_001171935.1); c.406G>A, p.Val136Met (NM_001171936.1); short protein forms V3274M, V1034M, V136M, V171M, V999M.
Identifiers: ClinVar variation 2183969 (VCV002183969.1), dbSNP rs1234642571, ClinGen allele CA377138113.

ClinVar aggregate classification (germline): Uncertain significance (1 of 4 stars; one submission).

Allele frequency attached by ClinVar (database versions not stated): gnomAD exomes below 0.00001; gnomAD 0.00002; TOPMed 0.00002.
gnomAD v4.1: 5 of 1,612,694 alleles (0.00031%); highest among the groups gnomAD compares: Non-Finnish European, 0.00042%; no homozygotes.

Submission:

Labcorp Genetics (formerly Invitae), Labcorp
Classification: Uncertain significance. Last evaluated: 2022-05-19. Review status: criteria provided, single submitter. Criteria: Invitae Variant Classification Sherloc (09022015). Collection method: clinical testing. Allele origin: germline.
Comment: This sequence change replaces valine, which is neutral and non-polar, with methionine, which is neutral and non-polar, at codon 3274 of the CDH23 protein (p.Val3274Met). This variant is present in population databases (no rsID available, gnomAD 0.007%). This variant has not been reported in the literature in individuals affected with CDH23-related conditions. Algorithms developed to predict the effect of missense changes on protein structure and function output the following: SIFT: "Tolerated"; PolyPhen-2: "Not Available"; Align-GVGD: "Class C0". The methionine amino acid residue is found in multiple mammalian species, which suggests that this missense change does not adversely affect protein function. In summary, the available evidence is currently insufficient to determine the role of this variant in disease. Therefore, it has been classified as a Variant of Uncertain Significance.